The following is an entry in ClinVar:

NM_005228.5(EGFR):c.424+3G>T

Gene: EGFR (epidermal growth factor receptor; plus strand). Cytogenetic location: 7p11.2.
Variant type: single nucleotide variant.
Coding change: c.424+3G>T on transcript NM_005228.5 (MANE Select); 3 bases into the intron after coding-DNA position 424, G replaced by T.
Molecular consequence: intron variant.
Genome position (GRCh38, 1-based): chr7:55,143,491, G>T. VCF-style: chr7-55143491-G-T. GRCh37 (hg19) VCF-style: chr7-55211184-G-T.
Other names: c.424+3G>T (NM_001346899.2, NM_001346898.2, NM_001346897.2 and 3 more transcripts); c.89-12339G>T (NM_001346941.2); c.265+3G>T (NM_001346900.2).
Identifiers: ClinVar variation 1472634 (VCV001472634.6), dbSNP rs753033730, ClinGen allele CA2573142230.

ClinVar aggregate classification (germline): Uncertain significance (1 of 4 stars; one submission).

Conditions:
EGFR-related lung cancer (EGFR). Identifiers: MedGen CN130014.

Submission:

Labcorp Genetics (formerly Invitae), Labcorp
Classification: Uncertain significance for EGFR-related lung cancer. Last evaluated: 2020-11-03. Review status: criteria provided, single submitter. Criteria: Invitae Variant Classification Sherloc (09022015). Collection method: clinical testing. Allele origin: germline.
Comment: In summary, the available evidence is currently insufficient to determine the role of this variant in disease. Therefore, it has been classified as a Variant of Uncertain Significance. Nucleotide substitutions within the consensus splice site are a relatively common cause of aberrant splicing (PMID: 17576681, 9536098). Algorithms developed to predict the effect of sequence changes on RNA splicing suggest that this variant may disrupt the consensus splice site, but this prediction has not been confirmed by published transcriptional studies. This variant has not been reported in the literature in individuals with EGFR-related conditions. This variant is not present in population databases (ExAC no frequency). This sequence change falls in intron 3 of the EGFR gene. It does not directly change the encoded amino acid sequence of the EGFR protein. It affects a nucleotide within the consensus splice site of the intron.

Literature cited by the submitters: PubMed 17576681; PubMed 9536098.